The following is an entry in ClinVar:

ClinVar aggregate classification (germline): Uncertain significance (1 of 4 stars; one submission).

Submission:

Women's Health and Genetics/Laboratory Corporation of America, LabCorp
Classification: Uncertain significance. Last evaluated: 2026-01-20. Review status: criteria provided, single submitter. Criteria: LabCorp Variant Classification Summary - May 2015. Collection method: clinical testing. Allele origin: germline.
Comment: Variant summary: ARSA c.1189A>G (p.Lys397Glu) results in a conservative amino acid change in the encoded protein sequence. Algorithms developed to predict the effect of missense changes on protein structure and function are either unavailable or do not agree on the potential impact of this missense change. The variant was absent in 251068 control chromosomes (gnomAD). The available data on variant occurrences in the general population are insufficient to allow any conclusion about variant significance. To our knowledge, no occurrence of c.1189A>G in individuals affected with ARSA-related conditions and no experimental evidence demonstrating its impact on protein function have been reported. No submitters have cited clinical-significance assessments for this variant to ClinVar. Based on the evidence outlined above, the variant was classified as uncertain significance.

NM_000487.6(ARSA):c.1189A>G (p.Lys397Glu)

Gene: ARSA (arylsulfatase A; minus strand). Cytogenetic location: 22q13.33.
Variant type: single nucleotide variant.
Coding change: c.1189A>G on transcript NM_000487.6 (MANE Select); coding-DNA position 1189, A replaced by G.
Protein change: p.Lys397Glu; replaces lysine 397 with glutamic acid.
Molecular consequence: missense variant.
Genome position (GRCh38, 1-based): chr22:50,625,600, T>C on the plus strand (A>G on the coding strand, the complement: ARSA is on the minus strand). VCF-style: chr22-50625600-T-C. GRCh37 (hg19) VCF-style: chr22-51064028-T-C.
Other names: c.1189A>G, p.Lys397Glu (NM_001085425.3, NM_001085426.3, NM_001085427.3); c.931A>G, p.Lys311Glu (NM_001085428.3, NM_001362782.2); short protein forms K311E, K397E.
Identifiers: ClinVar variation 4689190 (VCV004689190.1).
Genomic context (GRCh38, chr22:50,625,600, plus strand): 5'-TCAGCAGGTCGGGGGGAGGGATCCACGGGGAGGGGTTACCCTGGGTGAAGAAGTGAGCCT[T>C]GTACTTTCCAGTCCGCACAGCAAAAACCCCACGGACCTCGTCTGGGTAGGACGGGTAGAA-3'
Protein context (NP_000478.3, residues 387-407): GVFAVRTGKY[Lys397Glu]AHFFTQGSAH